The following is an entry in ClinVar:

NM_000059.4(BRCA2):c.4783C>T (p.Gln1595Ter)

Gene: BRCA2 (BRCA2 DNA repair associated; plus strand). Cytogenetic location: 13q13.1.
Variant type: single nucleotide variant.
Coding change: c.4783C>T on transcript NM_000059.4 (MANE Select); coding-DNA position 4783, C replaced by T.
Protein change: p.Gln1595Ter; replaces glutamine 1595 with a stop codon.
Molecular consequence: nonsense.
Genome position (GRCh38, 1-based): chr13:32,339,138, C>T. VCF-style: chr13-32339138-C-T. GRCh37 (hg19) VCF-style: chr13-32913275-C-T.
Other names: 5011C>T; short protein forms Q1595*.
Identifiers: ClinVar variation 266832 (VCV000266832.5), dbSNP rs886040549, ClinGen allele CA10589273.

ClinVar aggregate classification (germline): Pathogenic. Review status: reviewed by expert panel (3 of 4 stars). 2 submissions from 2 submitters: Pathogenic (1). 1 of the submissions does not count toward it. Last evaluated 2016-10-18.

Conditions:
Breast-ovarian cancer, familial, susceptibility to, 2 (BROVCA2). Also called: BRCA2 Hereditary Breast and Ovarian Cancer. Identifiers: Orphanet 145, MedGen C2675520, MONDO:0012933, OMIM 612555. Disease mechanism: loss of function.

Submissions (2):

Evidence-based Network for the Interpretation of Germline Mutant Alleles (ENIGMA)
Classification: Pathogenic for Breast-ovarian cancer, familial, susceptibility to, 2. Last evaluated: 2016-10-18. Review status: reviewed by expert panel. Criteria: ENIGMA BRCA1/2 Classification Criteria (2015). Collection method: curation. Allele origin: germline.
Comment: Variant allele predicted to encode a truncated non-functional protein.

Consortium of Investigators of Modifiers of BRCA1/2 (CIMBA), c/o University of Cambridge
Classification: Pathogenic for Breast-ovarian cancer, familial, susceptibility to, 2. Last evaluated: 2015-10-02. Review status: criteria provided, single submitter. Criteria: CIMBA Mutation Classification guidelines May 2016. Collection method: clinical testing. Allele origin: germline. Not counted in ClinVar's aggregate classification.